The following is an entry in ClinVar:

NM_001184.4(ATR):c.4925C>A (p.Ala1642Glu)

Gene: ATR (ATR checkpoint kinase; minus strand). Cytogenetic location: 3q23.
Variant type: single nucleotide variant.
Coding change: c.4925C>A on transcript NM_001184.4 (MANE Select); coding-DNA position 4925, C replaced by A.
Protein change: p.Ala1642Glu; replaces alanine 1642 with glutamic acid.
Molecular consequence: missense variant.
Genome position (GRCh38, 1-based): chr3:142,508,037, G>T on the plus strand (C>A on the coding strand, the complement: ATR is on the minus strand). VCF-style: chr3-142508037-G-T. GRCh37 (hg19) VCF-style: chr3-142226879-G-T.
Other names: c.4733C>A, p.Ala1578Glu (NM_001354579.2); short protein forms A1578E, A1642E.
Identifiers: ClinVar variation 1744152 (VCV001744152.3), dbSNP rs2473200311, ClinGen allele CA354820750.
Genomic context (GRCh38, chr3:142,508,037, plus strand): 5'-ATAAATGATTCAAAGTGCATTACAGCTCGTGTGTATGCTTTGGAGCGAAAGGAAGCTACT[G>T]CCAGAGTATCCTGGGGTATGAGGTCTAGAAAACGGGTTACACTCTGATAGTCTTCATAAT-3'
Protein context (NP_001175.2, residues 1632-1652): FLDLIPQDTL[Ala1642Glu]VASFRSKAYT

ClinVar aggregate classification (germline): Uncertain significance (1 of 4 stars; one submission).

Conditions:
Inborn genetic diseases. Identifiers: MedGen C0950123, MeSH D030342.

Allele frequency attached by ClinVar (database versions not stated): gnomAD exomes below 0.00001.
gnomAD v4.1: 1 of 1,613,400 alleles (0.000062%); highest among the groups gnomAD compares: Non-Finnish European, 0.000085%; no homozygotes.

Submission:

Ambry Genetics
Classification: Uncertain significance for Inborn genetic diseases. Last evaluated: 2024-11-09. Review status: criteria provided, single submitter. Criteria: Ambry Variant Classification Scheme 2023. Collection method: clinical testing. Allele origin: germline.
Comment: The p.A1642E variant (also known as c.4925C>A), located in coding exon 28 of the ATR gene, results from a C to A substitution at nucleotide position 4925. The alanine at codon 1642 is replaced by glutamic acid, an amino acid with dissimilar properties. This amino acid position is conserved. In addition, this alteration is predicted to be deleterious by in silico analysis. Since supporting evidence is limited at this time, the clinical significance of this alteration remains unclear.